The following is an entry in ClinVar:

ClinVar aggregate classification (germline): Uncertain significance (1 of 4 stars; one submission).

Submission:

CeGaT Center for Human Genetics Tuebingen
Classification: Uncertain significance. Last evaluated: 2024-01-01. Review status: criteria provided, single submitter. Criteria: CeGaT Center For Human Genetics Tuebingen Variant Classification Criteria Version 2. Collection method: clinical testing. Allele origin: germline. Affected: yes. Observed: 1 variant allele.
Comment: PLCB4: PM2:Supporting, BP4

NM_001377142.1(PLCB4):c.2916A>G (p.Gln972=)

Gene: PLCB4 (phospholipase C beta 4; plus strand). Cytogenetic location: 20p12.2.
Variant type: single nucleotide variant.
Coding change: c.2916A>G on transcript NM_001377142.1 (MANE Select); coding-DNA position 2916, A replaced by G.
Protein change: p.Gln972=; no amino-acid change (glutamine 972 retained).
Molecular consequence: synonymous variant.
Genome position (GRCh38, 1-based): chr20:9,453,382, A>G. VCF-style: chr20-9453382-A-G. GRCh37 (hg19) VCF-style: chr20-9434029-A-G.
Other names: c.2880A>G, p.Gln960= (NM_000933.4, NM_001377134.2, NM_001377135.1 and 2 more transcripts); c.2916A>G, p.Gln972= (NM_001172646.2, NM_001377143.1).
Identifiers: ClinVar variation 3027013 (VCV003027013.22), dbSNP rs2042884198, ClinGen allele CA509639311.